The following is an entry in ClinVar:

ClinVar aggregate classification (germline): Uncertain significance (1 of 4 stars; one submission).

Conditions:
FOXD3-related disorder. Also called: FOXD3-related condition.

Submission:

PreventionGenetics, part of Exact Sciences
Classification: Uncertain significance for FOXD3-related condition. Last evaluated: 2025-06-06. Review status: criteria provided, single submitter. Criteria: ACMG Guidelines, 2015. Collection method: clinical testing. Allele origin: germline.
Comment: The FOXD3 c.634G>A variant is predicted to result in the amino acid substitution p.Gly212Ser. To our knowledge, this variant has not been reported in the literature or in a large population database (gnomAD), indicating this variant is rare. At this time, the clinical significance of this variant is uncertain due to the absence of conclusive functional and genetic evidence.

NM_012183.3(FOXD3):c.634G>A (p.Gly212Ser)

Genes: FOXD3 (forkhead box D3; plus strand), FOXD3-AS1 (FOXD3 antisense RNA 1; minus strand). Cytogenetic location: 1p31.3.
Variant type: single nucleotide variant.
Coding change: c.634G>A on transcript NM_012183.3 (MANE Select); coding-DNA position 634, G replaced by A.
Protein change: p.Gly212Ser; replaces glycine 212 with serine.
Molecular consequence: missense variant.
Genome position (GRCh38, 1-based): chr1:63,323,692, G>A. VCF-style: chr1-63323692-G-A. GRCh37 (hg19) VCF-style: chr1-63789363-G-A.
Other names: short protein forms G212S.
Identifiers: ClinVar variation 4986548 (VCV004986548.1).